The following is an entry in ClinVar:

ClinVar aggregate classification (germline): Pathogenic (1 of 4 stars; one submission).

Conditions:
Neurofibromatosis, type 1 (NF1). Also called: Neurofibromatosis, type I; Peripheral type neurofibromatosis; VON RECKLINGHAUSEN DISEASE; NEUROFIBROMATOSIS, TYPE I, SOMATIC. Identifiers: Orphanet 636, MedGen C0027831, MONDO:0018975, OMIM 162200. Disease mechanism: loss of function.

Submission:

Labcorp Genetics (formerly Invitae), Labcorp
Classification: Pathogenic for Neurofibromatosis, type 1. Last evaluated: 2024-01-25. Review status: criteria provided, single submitter. Criteria: Invitae Variant Classification Sherloc (09022015). Collection method: clinical testing. Allele origin: germline.
Comment: This sequence change creates a premature translational stop signal (p.Gln1336Serfs*7) in the NF1 gene. It is expected to result in an absent or disrupted protein product. Loss-of-function variants in NF1 are known to be pathogenic (PMID: 10712197, 23913538). This variant is not present in population databases (gnomAD no frequency). This variant has not been reported in the literature in individuals affected with NF1-related conditions. For these reasons, this variant has been classified as Pathogenic.

Literature cited by the submitters: PubMed 10712197; PubMed 23913538.

NM_001042492.3(NF1):c.4006del (p.Gln1336fs)

Gene: NF1 (neurofibromin 1; plus strand). Cytogenetic location: 17q11.2.
Variant type: Deletion.
Coding change: c.4006del on transcript NM_001042492.3 (MANE Select); coding-DNA position 4006, one base deleted (C; older notation c.4006delC).
Protein change: p.Gln1336fs; shifts the reading frame from glutamine 1336.
Molecular consequence: frameshift variant.
Genome position (GRCh38, 1-based): chr17:31,249,015, C deleted; the last of 2 consecutive C bases (chr17:31,249,014-31,249,015); deleting either gives the same sequence. VCF-style (leftmost placement, unchanged base first): chr17-31249013-AC-A. GRCh37 (hg19) VCF-style: chr17-29576031-AC-A.
Other names: c.4006delC, p.Gln1336Serfs (NM_000267.4); short protein forms Q1336fs.
Identifiers: ClinVar variation 2736548 (VCV002736548.3), dbSNP rs2508351213, ClinGen allele CA2695225766.